The following is an entry in ClinVar:

NM_014809.4(KIAA0319):c.541G>A (p.Glu181Lys)

Gene: KIAA0319 (KIAA0319; minus strand). Cytogenetic location: 6p22.3.
Variant type: single nucleotide variant.
Coding change: c.541G>A on transcript NM_014809.4 (MANE Select); coding-DNA position 541, G replaced by A.
Protein change: p.Glu181Lys; replaces glutamic acid 181 with lysine.
Molecular consequence: missense variant.
Genome position (GRCh38, 1-based): chr6:24,596,133, C>T on the plus strand (G>A on the coding strand, the complement: KIAA0319 is on the minus strand). VCF-style: chr6-24596133-C-T. GRCh37 (hg19) VCF-style: chr6-24596361-C-T.
Other names: c.514G>A, p.Glu172Lys (NM_001168374.2); c.541G>A, p.Glu181Lys (NM_001168375.2, NM_001168377.2, NM_001350403.2 and 3 more transcripts); c.406G>A, p.Glu136Lys (NM_001168376.2, NM_001350406.2); c.523G>A, p.Glu175Lys (NM_001350404.2); c.85G>A, p.Glu29Lys (NM_001350409.2, NM_001350410.2); short protein forms E136K, E172K, E175K, E181K, E29K.
Identifiers: ClinVar variation 3049041 (VCV003049041.2), dbSNP rs138139227, ClinGen allele CA3657825.

ClinVar aggregate classification (germline): Likely benign (0 of 4 stars; one submission).

Conditions:
KIAA0319-related disorder. Also called: KIAA0319-related condition.

Allele frequency attached by ClinVar (database versions not stated): ExAC 0.00014; 1000 Genomes Project 30x 0.00016; gnomAD exomes 0.00019; 1000 Genomes Project 0.00020; gnomAD 0.00021; TOPMed 0.00023; ESP Exome Variant Server 0.00046.
gnomAD v4.1: 305 of 1,614,014 alleles (0.019%); highest among the groups gnomAD compares: Middle Eastern, 0.17%; no homozygotes.

Submission:

PreventionGenetics, part of Exact Sciences
Classification: Likely benign for KIAA0319-related condition. Last evaluated: 2019-02-20. Review status: no assertion criteria provided. Collection method: clinical testing. Allele origin: germline.
Comment: This variant is classified as likely benign based on ACMG/AMP sequence variant interpretation guidelines (Richards et al. 2015 PMID: 25741868, with internal and published modifications).